The following is an entry in ClinVar:

NM_001563.4(IMPG1):c.1909A>G (p.Ser637Gly)

Gene: IMPG1 (interphotoreceptor matrix proteoglycan 1; minus strand). Cytogenetic location: 6q14.1.
Variant type: single nucleotide variant.
Coding change: c.1909A>G on transcript NM_001563.4 (MANE Select); coding-DNA position 1909, A replaced by G.
Protein change: p.Ser637Gly; replaces serine 637 with glycine.
Molecular consequence: missense variant.
Genome position (GRCh38, 1-based): chr6:75,947,449, T>C on the plus strand (A>G on the coding strand, the complement: IMPG1 is on the minus strand). VCF-style: chr6-75947449-T-C. GRCh37 (hg19) VCF-style: chr6-76657166-T-C.
Other names: c.1909A>G (NM_001563.2); c.1675A>G, p.Ser559Gly (NM_001282368.2); short protein forms S559G, S637G.
Identifiers: ClinVar variation 3695029 (VCV003695029.3).

ClinVar aggregate classification (germline): Uncertain significance. Review status: criteria provided, multiple submitters, no conflicts (2 of 4 stars). 2 submissions from 2 submitters: Uncertain significance (2). Last evaluated 2025-06-07.

gnomAD v4.1: 2 of 1,613,752 alleles (0.00012%); highest among the groups gnomAD compares: African/African-American, 0.0027%; no homozygotes.

Submissions (2):

Ambry Genetics
Classification: Uncertain significance. Last evaluated: 2025-06-07. Review status: criteria provided, single submitter. Criteria: Ambry Variant Classification Scheme 2023. Collection method: clinical testing. Allele origin: germline.

Labcorp Genetics (formerly Invitae), Labcorp
Classification: Uncertain significance. Last evaluated: 2024-07-30. Review status: criteria provided, single submitter. Criteria: Invitae Variant Classification Sherloc (09022015). Collection method: clinical testing. Allele origin: germline.
Comment: This sequence change replaces serine, which is neutral and polar, with glycine, which is neutral and non-polar, at codon 637 of the IMPG1 protein (p.Ser637Gly). This variant is not present in population databases (gnomAD no frequency). This variant has not been reported in the literature in individuals affected with IMPG1-related conditions. An algorithm developed to predict the effect of missense changes on protein structure and function (PolyPhen-2) suggests that this variant is likely to be disruptive. In summary, the available evidence is currently insufficient to determine the role of this variant in disease. Therefore, it has been classified as a Variant of Uncertain Significance.